The following is an entry in ClinVar:

NM_015215.4(CAMTA1):c.3206T>C (p.Leu1069Pro)

Gene: CAMTA1 (calmodulin binding transcription activator 1; plus strand). Cytogenetic location: 1p36.23.
Variant type: single nucleotide variant.
Coding change: c.3206T>C on transcript NM_015215.4 (MANE Select); coding-DNA position 3206, T replaced by C.
Protein change: p.Leu1069Pro; replaces leucine 1069 with proline.
Molecular consequence: missense variant.
Genome position (GRCh38, 1-based): chr1:7,736,483, T>C. VCF-style: chr1-7736483-T-C. GRCh37 (hg19) VCF-style: chr1-7796543-T-C.
Other names: c.3116T>C, p.Leu1039Pro (NM_001349608.2, NM_001349612.2); c.3206T>C, p.Leu1069Pro (NM_001349609.2, NM_001349610.2, NM_001410737.1); c.335T>C, p.Leu112Pro (NM_001349613.1); c.278T>C, p.Leu93Pro (NM_001349614.1, NM_001349615.2, NM_001349616.2 and 10 more transcripts); c.3134T>C, p.Leu1045Pro (NM_001410738.1); short protein forms L1039P, L1045P, L1069P, L112P, L93P.
Identifiers: ClinVar variation 3774221 (VCV003774221.1).
Genomic context (GRCh38, chr1:7,736,483, plus strand): 5'-CCTGCTGGGCGAAGTCCAAGCACTTGATCCACTCAAAGACTTTCCGCGGAATGACCCTAC[T>C]CCACCTGGCCGCTGCCCAGGGCTATGCCACCCTAATCCAGACCCTCATCAAATGGCGGTA-3'
Protein context (NP_056030.1, residues 1059-1079): HSKTFRGMTL[Leu1069Pro]HLAAAQGYAT

ClinVar aggregate classification (germline): Uncertain significance (1 of 4 stars; one submission).

Submission:

GeneDx
Classification: Uncertain significance. Last evaluated: 2024-09-20. Review status: criteria provided, single submitter. Criteria: GeneDx Variant Classification Process June 2021. Collection method: clinical testing. Allele origin: germline. Affected: yes.
Comment: Not observed at significant frequency in large population cohorts (gnomAD); In silico analysis supports that this missense variant has a deleterious effect on protein structure/function; Has not been previously published as pathogenic or benign to our knowledge